The following is an entry in ClinVar:

NM_006218.4(PIK3CA):c.1259_1264del (p.Cys420_Pro421del)

Gene: PIK3CA (phosphatidylinositol-4,5-bisphosphate 3-kinase catalytic subunit alpha; plus strand). Cytogenetic location: 3q26.32.
Variant type: Deletion.
Coding change: c.1259_1264del on transcript NM_006218.4 (MANE Select); coding-DNA positions 1259 to 1264, 6 bases deleted (GTCCAT; older notation c.1259_1264delGTCCAT).
Protein change: p.Cys420_Pro421del.
Genome position (GRCh38, 1-based): chr3:179,210,193-179,210,198, GTCCAT deleted; deleting any 6 consecutive bases within chr3:179,210,192-179,210,198 gives the same sequence; the c. name uses the placement nearest the transcript's 3' end. VCF-style (leftmost placement, unchanged base first): chr3-179210191-CTGTCCA-C. GRCh37 (hg19) VCF-style: chr3-178927979-CTGTCCA-C.
Identifiers: ClinVar variation 4530369 (VCV004530369.1).
Genomic context (GRCh38, chr3:179,210,191, plus strand): 5'-TTTTGAAATGTGTTTTATAATTTAGACTAGTGAATATTTTTCTTTGTTTTTTAAGGAACA[CTGTCCA>C]TTGGCATGGGGAAATATAAACTTGTTTGATTACACAGACACTCTAGTATCTGGAAAAATG-3'

ClinVar aggregate classification (somatic clinical impact): Tier I - Strong (1 of 4 stars; one submission).

Conditions:
Embryonal rhabdomyosarcoma (ERMS). Also called: Botryoid rhabdomyosarcoma (type of ERMS); Spindle cell rhabdomyosarcomas (type of ERMS). Identifiers: Orphanet 99757, MedGen C0206656, MONDO:0009993, HP:0006743.

Submission:

Institute for Genomic Medicine (IGM) Clinical Laboratory, Nationwide Children's Hospital
Classification: Tier I - Strong for Embryonal rhabdomyosarcoma. Assertion type: diagnostic. Clinical significance: supports diagnosis. Last evaluated: 2024-02-20. Review status: criteria provided, single submitter. Criteria: AMP/ASCO/CAP Guidelines, 2017. Collection method: clinical testing. Allele origin: somatic. Affected: yes.
Comment: Variant has Tier I (strong) clinical significance as a diagnostic inclusion criterion in embryonal rhabdomyosarcoma, based on the following evidence: 1) Documented in one or more cancer databases (e.g., St. Jude Pecan, COSMIC, CIViC, OncoKB). 2) Appears in one or more well-established professional guidelines (e.g., World Health Organization [WHO]; National Comprehensive Cancer Network [NCCN]) as providing diagnostic, prognostic, or therapeutic information. 3) Diagnostic for a specific tumor type/classification based on well-powered studies with expert-level consensus (Evidence Level B; PMIDs: 24436047, 34166060, 24332040, 26138366, 25768946).

Literature cited by the submitters: PubMed 24436047; PubMed 34166060; PubMed 24332040; PubMed 26138366; PubMed 25768946.